The following is an entry in ClinVar:

ClinVar aggregate classification (germline): Likely pathogenic (1 of 4 stars; one submission).

Allele frequency attached by ClinVar (database versions not stated): gnomAD exomes below 0.00001.

Submission:

MVZ Dr. Eberhard & Partner Dortmund
Classification: Likely pathogenic. Last evaluated: 2022-02-23. Review status: criteria provided, single submitter. Criteria: ACMG Guidelines, 2015. Collection method: clinical testing. Allele origin: unknown. Observed: 1 heterozygote.
Comment: This sequence change is likely causing a frameshift in the last exon which would lead to an elongation of the protein (additional 42 amino acids) and a divergent amino acid sequence from the mutated codon to the end. The variant has not been reported in literature so far and is not present in controls from the Exome Sequencing Project, 1000 Genomes Project and the Genome Aggregation Database.

NM_000312.4(PROC):c.1293del (p.Tyr432fs)

Gene: PROC (protein C, inactivator of coagulation factors Va and VIIIa; plus strand). Cytogenetic location: 2q14.3.
Variant type: Deletion.
Coding change: c.1293del on transcript NM_000312.4 (MANE Select); coding-DNA position 1293, one base deleted (C; older notation c.1293delC).
Protein change: p.Tyr432fs; shifts the reading frame from tyrosine 432.
Molecular consequence: frameshift variant.
Genome position (GRCh38, 1-based): chr2:127,428,853, C deleted. VCF-style (leftmost placement, unchanged base first): chr2-127428852-AC-A. GRCh37 (hg19) VCF-style: chr2-128186428-AC-A.
Other names: c.1476del, p.Tyr493fs (NM_001375602.1); c.1458del, p.Tyr487fs (NM_001375603.1); c.1356del, p.Tyr453fs (NM_001375604.1); c.1395del, p.Tyr466fs (NM_001375605.1); c.1461del, p.Tyr488fs (NM_001375606.1); c.1479del, p.Tyr494fs (NM_001375607.1); c.1236del, p.Tyr413fs (NM_001375608.1); c.1269del, p.Tyr424fs (NM_001375609.1); and 2 more; short protein forms Y413fs, Y424fs, Y430fs, Y432fs, Y453fs, Y466fs, Y487fs, Y488fs.
Identifiers: ClinVar variation 1676817 (VCV001676817.2), dbSNP rs2104984579, ClinGen allele CA2573133200.